The following is an entry in ClinVar:

ClinVar aggregate classification (germline): Uncertain significance (1 of 4 stars; one submission).

Conditions:
Developmental and epileptic encephalopathy, 23 (DEE23). Also called: Epileptic encephalopathy, early infantile, 23. Identifiers: Orphanet 411986, MedGen C4014492, MONDO:0014371, OMIM 615859.

Allele frequency attached by ClinVar (database versions not stated): ExAC 0.00001; TOPMed 0.00001; gnomAD 0.00003.

Submission:

Labcorp Genetics (formerly Invitae), Labcorp
Classification: Uncertain significance for Developmental and epileptic encephalopathy, 23. Last evaluated: 2023-12-18. Review status: criteria provided, single submitter. Criteria: Invitae Variant Classification Sherloc (09022015). Collection method: clinical testing. Allele origin: germline.
Comment: This sequence change replaces arginine, which is basic and polar, with glutamine, which is neutral and polar, at codon 679 of the DOCK7 protein (p.Arg679Gln). This variant is present in population databases (rs776159484, gnomAD 0.01%). This variant has not been reported in the literature in individuals affected with DOCK7-related conditions. ClinVar contains an entry for this variant (Variation ID: 2158810). Advanced modeling of protein sequence and biophysical properties (such as structural, functional, and spatial information, amino acid conservation, physicochemical variation, residue mobility, and thermodynamic stability) has been performed at Invitae for this missense variant, however the output from this modeling did not meet the statistical confidence thresholds required to predict the impact of this variant on DOCK7 protein function. In summary, the available evidence is currently insufficient to determine the role of this variant in disease. Therefore, it has been classified as a Variant of Uncertain Significance.

NM_001367561.1(DOCK7):c.2036G>A (p.Arg679Gln)

Gene: DOCK7 (dedicator of cytokinesis 7; minus strand). Cytogenetic location: 1p31.3.
Variant type: single nucleotide variant.
Coding change: c.2036G>A on transcript NM_001367561.1 (MANE Select); coding-DNA position 2036, G replaced by A.
Protein change: p.Arg679Gln; replaces arginine 679 with glutamine.
Molecular consequence: missense variant.
Genome position (GRCh38, 1-based): chr1:62,577,338, C>T on the plus strand (G>A on the coding strand, the complement: DOCK7 is on the minus strand). VCF-style: chr1-62577338-C-T. GRCh37 (hg19) VCF-style: chr1-63043009-C-T.
Other names: c.2036G>A, p.Arg679Gln (NM_001271999.2, NM_001272000.2, NM_001272001.2 and 2 more transcripts); short protein forms R679Q.
Identifiers: ClinVar variation 2158810 (VCV002158810.2), dbSNP rs776159484, ClinGen allele CA886372.
Genomic context (GRCh38, chr1:62,577,338, plus strand): 5'-GAATAAGCCTGTGGTGGTTTTTCCAATGAGACTGGCAAGCAAAACTGGCCAGTCTTCAAC[C>T]GTCCATTCTGAAGCATTGGTATCCACTTTTAAATGAAAAGAAAACAATTTTATTTTAAAT-3'
Protein context (NP_001354490.1, residues 669-689): YTWIPMLQNG[Arg679Gln]LKTGQFCLPV